The following is an entry in ClinVar:

NM_001109809.5(ZFP57):c.749G>A (p.Arg250His)

Gene: ZFP57 (ZFP57 zinc finger protein; minus strand). Cytogenetic location: 6p22.1.
Variant type: single nucleotide variant.
Coding change: c.749G>A on transcript NM_001109809.5 (MANE Select); coding-DNA position 749, G replaced by A.
Protein change: p.Arg250His; replaces arginine 250 with histidine.
Molecular consequence: missense variant.
Genome position (GRCh38, 1-based): chr6:29,673,362, C>T on the plus strand (G>A on the coding strand, the complement: ZFP57 is on the minus strand). VCF-style: chr6-29673362-C-T. GRCh37 (hg19) VCF-style: chr6-29641139-C-T.
Other names: c.533G>A, p.Arg178His (NM_001366333.2); short protein forms R250H, R178H.
Identifiers: ClinVar variation 356215 (VCV000356215.8), dbSNP rs199589695, ClinGen allele CA3690772.

ClinVar aggregate classification (germline): Uncertain significance. Review status: criteria provided, multiple submitters, no conflicts (2 of 4 stars). 3 submissions from 3 submitters: Uncertain significance (3). Last evaluated 2023-12-12.

Conditions:
Inborn genetic diseases. Identifiers: MedGen C0950123, MeSH D030342.
Diabetes mellitus, transient neonatal, 1 (TNDM1). Also called: Diabetes Mellitus, 6q24-Related Transient Neonatal. Identifiers: Orphanet 99886, MedGen C1832386, MONDO:0011073, OMIM 601410.

Allele frequency attached by ClinVar (database versions not stated): ExAC 0.00004; gnomAD exomes 0.00004 and 0.00009; gnomAD 0.00007; TOPMed 0.00007; ESP Exome Variant Server 0.00013.
gnomAD v4.1: 141 of 1,612,920 alleles (0.0087%); highest among the groups gnomAD compares: Non-Finnish European, 0.011%; no homozygotes.

Submissions (3):

ARUP Laboratories, Molecular Genetics and Genomics, ARUP Laboratories
Classification: Uncertain significance for Diabetes mellitus, transient neonatal, 1. Last evaluated: 2023-12-12. Review status: criteria provided, single submitter. Criteria: ARUP Molecular Germline Variant Investigation Process 2024. Collection method: clinical testing. Allele origin: germline.
Comment: The ZFP57 c.749G>A; p.Arg250His variant (rs199589695), to our knowledge, is not reported in the medical literature but is reported in ClinVar (Variation ID: 356215). This variant is observed in the general population with an overall allele frequency of 0.004% (10/244620 alleles) in the Genome Aggregation Database (v2.1.1). Computational analyses predict that this variant is neutral (REVEL: 0.071). Due to limited information, the clinical significance of this variant is uncertain at this time.

Ambry Genetics
Classification: Uncertain significance for Inborn genetic diseases. Last evaluated: 2023-07-05. Review status: criteria provided, single submitter. Criteria: Ambry Variant Classification Scheme 2023. Collection method: clinical testing. Allele origin: germline.

Illumina Laboratory Services, Illumina
Classification: Uncertain significance for Diabetes mellitus, transient neonatal, 1. Last evaluated: 2018-01-13. Review status: criteria provided, single submitter. Criteria: ICSL Variant Classification Criteria 13 December 2019. Collection method: clinical testing. Allele origin: germline.